The following is an entry in ClinVar:

ClinVar aggregate classification (germline): Uncertain significance (1 of 4 stars; one submission).

Conditions:
Dilated cardiomyopathy 1HH (CMD1HH). Identifiers: Orphanet 154, MedGen C3151293, MONDO:0013479, OMIM 613881.
Myofibrillar myopathy 6. Identifiers: Orphanet 199340, MedGen C2751831, MONDO:0013061, OMIM 612954.

Submission:

Labcorp Genetics (formerly Invitae), Labcorp
Classification: Uncertain significance for Dilated cardiomyopathy 1HH; Myofibrillar myopathy 6. Last evaluated: 2025-12-14. Review status: criteria provided, single submitter. Criteria: Invitae Variant Classification Sherloc (09022015). Collection method: clinical testing. Allele origin: germline.
Comment: This sequence change replaces aspartic acid, which is acidic and polar, with glycine, which is neutral and non-polar, at codon 51 of the BAG3 protein (p.Asp51Gly). This variant is not present in population databases (gnomAD no frequency). This variant has not been reported in the literature in individuals affected with BAG3-related conditions. An algorithm developed to predict the effect of missense changes on protein structure and function (PolyPhen-2) suggests that this variant is likely to be disruptive. In summary, the available evidence is currently insufficient to determine the role of this variant in disease. Therefore, it has been classified as a Variant of Uncertain Significance.

NM_004281.4(BAG3):c.152A>G (p.Asp51Gly)

Gene: BAG3 (BAG cochaperone 3; plus strand). Cytogenetic location: 10q26.11.
Variant type: single nucleotide variant.
Coding change: c.152A>G on transcript NM_004281.4 (MANE Select); coding-DNA position 152, A replaced by G.
Protein change: p.Asp51Gly; replaces aspartic acid 51 with glycine.
Molecular consequence: missense variant.
Genome position (GRCh38, 1-based): chr10:119,651,827, A>G. VCF-style: chr10-119651827-A-G. GRCh37 (hg19) VCF-style: chr10-121411339-A-G.
Other names: short protein forms D51G.
Identifiers: ClinVar variation 4786926 (VCV004786926.1).